The following is an entry in ClinVar:

NM_005050.4(ABCD4):c.1520C>A (p.Ala507Glu)

Gene: ABCD4 (ATP binding cassette subfamily D member 4; minus strand). Cytogenetic location: 14q24.3.
Variant type: single nucleotide variant.
Coding change: c.1520C>A on transcript NM_005050.4 (MANE Select); coding-DNA position 1520, C replaced by A.
Protein change: p.Ala507Glu; replaces alanine 507 with glutamic acid.
Molecular consequence: missense variant. On other transcripts: non-coding transcript variant (10).
Genome position (GRCh38, 1-based): chr14:74,288,246, G>T on the plus strand (C>A on the coding strand, the complement: ABCD4 is on the minus strand). VCF-style: chr14-74288246-G-T. GRCh37 (hg19) VCF-style: chr14-74754949-G-T.
Other names: c.1394C>A, p.Ala465Glu (NM_001353591.2, NM_001353592.2); c.1259C>A, p.Ala420Glu (NM_001353593.2); c.1208C>A, p.Ala403Glu (NM_001353594.2); c.1106C>A, p.Ala369Glu (NM_001353595.2, NM_001353596.2); c.1055C>A, p.Ala352Glu (NM_001353597.2); c.1043C>A, p.Ala348Glu (NM_001353598.2, NM_001353599.2, NM_001353600.2 and 2 more transcripts); c.731C>A, p.Ala244Glu (NM_001353602.2, NM_001353603.2, NM_001353604.2 and 5 more transcripts); c.787C>A, p.Gln263Lys (NM_001353610.2); and 3 more; short protein forms A420E, A465E, A348E, A403E, A507E, Q263K, A369E, A464E.
Identifiers: ClinVar variation 2162579 (VCV002162579.3), dbSNP rs140293127, ClinGen allele CA7266723.

ClinVar aggregate classification (germline): Uncertain significance. Review status: criteria provided, multiple submitters, no conflicts (2 of 4 stars). 2 submissions from 2 submitters: Uncertain significance (2). Last evaluated 2024-12-16.

Conditions:
Methylmalonic acidemia with homocystinuria, type cblJ (MAHCJ). Also called: METHYLMALONIC ACIDURIA AND HOMOCYSTINURIA, cblJ TYPE. Identifiers: Orphanet 369955, MedGen C3553915, MONDO:0013925, OMIM 614857.

Allele frequency attached by ClinVar (database versions not stated): gnomAD 0.00001; ExAC 0.00003; gnomAD exomes 0.00003; 1000 Genomes Project 30x 0.00016; 1000 Genomes Project 0.00020.
gnomAD v4.1: 51 of 1,610,018 alleles (0.0032%); highest among the groups gnomAD compares: African/African-American, 0.024%; no homozygotes.

Submissions (2):

Labcorp Genetics (formerly Invitae), Labcorp
Classification: Uncertain significance for Methylmalonic acidemia with homocystinuria, type cblJ. Last evaluated: 2024-12-16. Review status: criteria provided, single submitter. Criteria: Invitae Variant Classification Sherloc (09022015). Collection method: clinical testing. Allele origin: germline.
Comment: This sequence change replaces alanine, which is neutral and non-polar, with glutamic acid, which is acidic and polar, at codon 507 of the ABCD4 protein (p.Ala507Glu). The frequency data for this variant in the population databases is considered unreliable, as metrics indicate poor data quality at this position in the gnomAD database. This variant has not been reported in the literature in individuals affected with ABCD4-related conditions. ClinVar contains an entry for this variant (Variation ID: 2162579). Invitae Evidence Modeling of protein sequence and biophysical properties (such as structural, functional, and spatial information, amino acid conservation, physicochemical variation, residue mobility, and thermodynamic stability) indicates that this missense variant is not expected to disrupt ABCD4 protein function with a negative predictive value of 95%. In summary, the available evidence is currently insufficient to determine the role of this variant in disease. Therefore, it has been classified as a Variant of Uncertain Significance.

GeneDx
Classification: Uncertain significance. Last evaluated: 2022-10-28. Review status: criteria provided, single submitter. Criteria: GeneDx Variant Classification Process June 2021. Collection method: clinical testing. Allele origin: germline. Affected: yes.
Comment: Not observed at significant frequency in large population cohorts (gnomAD); In silico analysis supports that this missense variant does not alter protein structure/function; Identified in a pediatric patient through whole exome sequencing, however phenotype information was not provided on this individual (Nair et al., 2018); This variant is associated with the following publications: (PMID: 30293248)